The following is an entry in ClinVar:

ClinVar aggregate classification (germline): Uncertain significance (1 of 4 stars; one submission).

Conditions:
Intellectual developmental disorder, autosomal dominant 39. Also called: Mental retardation, autosomal dominant 39; Intellectual disability, autosomal dominant 39. Identifiers: MedGen C4225296, MONDO:0014678, OMIM 616521.

Allele frequency attached by ClinVar (database versions not stated): gnomAD exomes below 0.00001 and 0.00002; gnomAD 0.00001 and 0.00002; TOPMed 0.00002.
gnomAD v4.1: 35 of 1,613,622 alleles (0.0022%); highest among the groups gnomAD compares: East Asian, 0.071%; 2 homozygotes.

Submission:

New York Genome Center
Classification: Uncertain significance for Intellectual developmental disorder, autosomal dominant 39. Last evaluated: 2021-06-21. Review status: criteria provided, single submitter. Criteria: NYGC Assertion Criteria 2020. Collection method: clinical testing. Allele origin: inherited. Observed: 1 heterozygote. Study: CSER-NYCKidSeq.

NM_001303052.2(MYT1L):c.1184T>C (p.Val395Ala)

Gene: MYT1L (myelin transcription factor 1 like; minus strand). Cytogenetic location: 2p25.3.
Variant type: single nucleotide variant.
Coding change: c.1184T>C on transcript NM_001303052.2 (MANE Select); coding-DNA position 1184, T replaced by C.
Protein change: p.Val395Ala; replaces valine 395 with alanine.
Molecular consequence: missense variant.
Genome position (GRCh38, 1-based): chr2:1,922,585, A>G on the plus strand (T>C on the coding strand, the complement: MYT1L is on the minus strand). VCF-style: chr2-1922585-A-G. GRCh37 (hg19) VCF-style: chr2-1926357-A-G.
Other names: c.1184T>C, p.Val395Ala (NM_001329847.2, NM_001329848.1, NM_001329849.3 and 6 more transcripts); short protein forms V395A.
Identifiers: ClinVar variation 1679704 (VCV001679704.3), dbSNP rs1335226719, ClinGen allele CA345704723.
Genomic context (GRCh38, chr2:1,922,585, plus strand): 5'-ACAGAGGTGGTATCGTCGTCCCGCTCATGACACCCATCCTCCTTCGCACAGCTGGCAAAC[A>G]CTCTCGACCGGGGGCTCAACTGCTCCTCCAGCCGCATGAGGTTCAGCATGTCCGAGTAGT-3'
Protein context (NP_001289981.1, residues 385-405): LEEQLSPRSR[Val395Ala]FASCAKEDGC